The following is an entry in ClinVar:

NM_138395.4(MARS2):c.16G>A (p.Val6Ile)

Genes: MARS2 (methionyl-tRNA synthetase 2, mitochondrial; plus strand), LOC129935364 (ATAC-STARR-seq lymphoblastoid silent region 12216; plus strand). Cytogenetic location: 2q33.1.
Variant type: single nucleotide variant.
Coding change: c.16G>A on transcript NM_138395.4 (MANE Select); coding-DNA position 16, G replaced by A.
Protein change: p.Val6Ile; replaces valine 6 with isoleucine.
Molecular consequence: missense variant.
Genome position (GRCh38, 1-based): chr2:197,705,421, G>A. VCF-style: chr2-197705421-G-A. GRCh37 (hg19) VCF-style: chr2-198570145-G-A.
Other names: c.16G>A (NM_138395.3); short protein forms V6I.
Identifiers: ClinVar variation 1925010 (VCV001925010.6), dbSNP rs368756037, ClinGen allele CA2044490.

ClinVar aggregate classification (germline): Uncertain significance. Review status: criteria provided, multiple submitters, no conflicts (2 of 4 stars). 2 submissions from 2 submitters: Uncertain significance (2). Last evaluated 2025-09-24.

Allele frequency attached by ClinVar (database versions not stated): ExAC 0.00001; gnomAD 0.00001; gnomAD exomes 0.00001; TOPMed 0.00002; ESP Exome Variant Server 0.00008.

Submissions (2):

Ambry Genetics
Classification: Uncertain significance. Last evaluated: 2025-09-24. Review status: criteria provided, single submitter. Criteria: Ambry Variant Classification Scheme 2023. Collection method: clinical testing. Allele origin: germline.

Labcorp Genetics (formerly Invitae), Labcorp
Classification: Uncertain significance. Last evaluated: 2022-05-15. Review status: criteria provided, single submitter. Criteria: Invitae Variant Classification Sherloc (09022015). Collection method: clinical testing. Allele origin: germline.
Comment: Algorithms developed to predict the effect of missense changes on protein structure and function (SIFT, PolyPhen-2, Align-GVGD) all suggest that this variant is likely to be tolerated. In summary, the available evidence is currently insufficient to determine the role of this variant in disease. Therefore, it has been classified as a Variant of Uncertain Significance. This variant has not been reported in the literature in individuals affected with MARS2-related conditions. This variant is not present in population databases (gnomAD no frequency). This sequence change replaces valine, which is neutral and non-polar, with isoleucine, which is neutral and non-polar, at codon 6 of the MARS2 protein (p.Val6Ile).